The following is an entry in ClinVar:

ClinVar aggregate classification (germline): Uncertain significance (1 of 4 stars; one submission).

Conditions:
Hereditary diffuse gastric adenocarcinoma (HDGC). Also called: DIFFUSE GASTRIC AND LOBULAR BREAST CANCER SYNDROME. Identifiers: Orphanet 26106, MedGen C1708349, MONDO:0007648, OMIM 137215.

Submission:

Labcorp Genetics (formerly Invitae), Labcorp
Classification: Uncertain significance for Hereditary diffuse gastric adenocarcinoma. Last evaluated: 2019-07-31. Review status: criteria provided, single submitter. Criteria: Invitae Variant Classification Sherloc (09022015). Collection method: clinical testing. Allele origin: germline.
Comment: This sequence change replaces proline with arginine at codon 537 of the CDH1 protein (p.Pro537Arg). The proline residue is moderately conserved and there is a moderate physicochemical difference between proline and arginine. This variant is not present in population databases (ExAC no frequency). This variant has not been reported in the literature in individuals with CDH1-related conditions. Algorithms developed to predict the effect of missense changes on protein structure and function (SIFT, PolyPhen-2, Align-GVGD) all suggest that this variant is likely to be tolerated, but these predictions have not been confirmed by published functional studies and their clinical significance is uncertain. In summary, the available evidence is currently insufficient to determine the role of this variant in disease. Therefore, it has been classified as a Variant of Uncertain Significance.

NM_004360.5(CDH1):c.1610C>G (p.Pro537Arg)

Gene: CDH1 (cadherin 1; plus strand). Cytogenetic location: 16q22.1.
Variant type: single nucleotide variant.
Coding change: c.1610C>G on transcript NM_004360.5 (MANE Select); coding-DNA position 1610, C replaced by G.
Protein change: p.Pro537Arg; replaces proline 537 with arginine.
Molecular consequence: missense variant. On other transcripts: intron variant (1).
Genome position (GRCh38, 1-based): chr16:68,819,324, C>G. VCF-style: chr16-68819324-C-G. GRCh37 (hg19) VCF-style: chr16-68853227-C-G.
Other names: c.1427C>G, p.Pro476Arg (NM_001317184.2); c.62C>G, p.Pro21Arg (NM_001317185.2); c.-254-2677C>G (NM_001317186.2); short protein forms P21R, P476R, P537R.
Identifiers: ClinVar variation 945123 (VCV000945123.10), dbSNP rs730881667, ClinGen allele CA396465047.